The following is an entry in ClinVar:

ClinVar aggregate classification (germline): Uncertain significance. Review status: criteria provided, multiple submitters, no conflicts (2 of 4 stars). 2 submissions from 2 submitters: Uncertain significance (2). Last evaluated 2023-09-19.

Conditions:
NRXN1-related disorder.

gnomAD v4.1: 5 of 1,370,212 alleles (0.00036%); highest among the groups gnomAD compares: Admixed American, 0.0061%; no homozygotes.

Submissions (2):

PreventionGenetics, part of Exact Sciences
Classification: Uncertain significance for NRXN1-related condition. Last evaluated: 2023-09-19. Review status: criteria provided, single submitter. Criteria: ACMG Guidelines, 2015. Collection method: clinical testing. Allele origin: germline.
Comment: The NRXN1 c.3G>T variant is predicted to disrupt the translation initiation site (Start loss). Functional studies also support that this variant results in utilization of a different start methionine codon (p.Met5) which may impact the signal sequence of the protein and its cellular localization (Patient 2, Camacho-Garcia et al. 2012. PubMed ID: 22504536). To our knowledge, this variant has not been reported in a large population database, indicating this variant is rare. At this time, the clinical significance of this variant is uncertain due to the absence of conclusive functional and genetic evidence.

GeneDx
Classification: Uncertain significance. Last evaluated: 2021-12-07. Review status: criteria provided, single submitter. Criteria: GeneDx Variant Classification Process June 2021. Collection method: clinical testing. Allele origin: germline. Affected: yes.
Comment: Reported as a heterozygous variant in a patient with autism and intellectual disability and several family members with non-autism mental disorders in published literature (Camacho-Garcia et al., 2012); Initiation codon variant which results in a truncated protein due to use of an alternate start site at Met5 although its synaptic function remains unknown (Camacho-Garcia 2012); Not observed in large population cohorts (Lek et al., 2016); This variant is associated with the following publications: (PMID: 24064682, 28013231, 22504536, 34610269)

NM_001330078.2(NRXN1):c.3365-109977G>T

Gene: NRXN1 (neurexin 1; minus strand). Cytogenetic location: 2p16.3.
Variant type: single nucleotide variant.
Coding change: c.3365-109977G>T on transcript NM_001330078.2 (MANE Select); 109977 bases into the intron before coding-DNA position 3365, G replaced by T.
Molecular consequence: intron variant. On other transcripts: missense variant (4), initiator codon variant (4).
Genome position (GRCh38, 1-based): chr2:50,346,947, C>A on the plus strand (G>T on the coding strand, the complement: NRXN1 is on the minus strand). VCF-style: chr2-50346947-C-A. GRCh37 (hg19) VCF-style: chr2-50574085-C-A.
Other names: c.3G>T, p.Met1Ile (NM_001330091.2, NM_001330092.2, NM_001330097.2 and 1 more transcripts); c.3254-109977G>T (NM_001330096.2, NM_001330087.2); c.3299-109977G>T (NM_001330083.2, NM_001330084.2); c.3284-109977G>T (NM_001330088.2); c.3362-109977G>T (NM_001330093.2); c.3353-109977G>T (NM_001330094.2); c.3314-109977G>T (NM_001330095.2); c.3341-109977G>T (NM_001330082.2, NM_001330077.2); and 4 more; short protein forms M1I.
Identifiers: ClinVar variation 1327785 (VCV001327785.4), dbSNP rs1057517946, ClinGen allele CA346820754.